The following is an entry in ClinVar:

ClinVar aggregate classification (germline): Conflicting classifications of pathogenicity. Review status: criteria provided, conflicting classifications (1 of 4 stars). 5 submissions from 5 submitters: Uncertain significance (3); Likely benign (2). Last evaluated 2025-11-24.

Conditions:
Cardiovascular phenotype. Identifiers: MedGen CN230736.
Brugada syndrome. Also called: Sudden unexpected nocturnal death syndrome; Sudden unexplained nocturnal death syndrome; Sudden Unexplained Death Syndrome; Sudden Unexplained Nocturnal Death Syndrome (SUNDS). Identifiers: Orphanet 130, MedGen C1142166, MONDO:0015263.

Allele frequency attached by ClinVar (database versions not stated): gnomAD exomes 0.00004 and 0.00008; ExAC 0.00005; gnomAD 0.00006; TOPMed 0.00008.

Submissions (5):

Labcorp Genetics (formerly Invitae), Labcorp
Classification: Uncertain significance for Brugada syndrome. Last evaluated: 2025-11-24. Review status: criteria provided, single submitter. Criteria: Invitae Variant Classification Sherloc (09022015). Collection method: clinical testing. Allele origin: germline.
Comment: This sequence change replaces serine, which is neutral and polar, with leucine, which is neutral and non-polar, at codon 585 of the SCN10A protein (p.Ser585Leu). This variant is present in population databases (rs781705809, gnomAD 0.04%). This variant has not been reported in the literature in individuals affected with SCN10A-related conditions. ClinVar contains an entry for this variant (Variation ID: 449835). An algorithm developed to predict the effect of missense changes on protein structure and function outputs the following: PolyPhen-2: "Benign". The leucine amino acid residue is found in multiple mammalian species, which suggests that this missense change does not adversely affect protein function. In summary, the available evidence is currently insufficient to determine the role of this variant in disease. Therefore, it has been classified as a Variant of Uncertain Significance.

Women's Health and Genetics/Laboratory Corporation of America, LabCorp
Classification: Likely benign. Last evaluated: 2025-04-11. Review status: criteria provided, single submitter. Criteria: LabCorp Variant Classification Summary - May 2015. Collection method: clinical testing. Allele origin: germline.
Comment: Variant summary: SCN10A c.1754C>T (p.Ser585Leu) results in a non-conservative amino acid change in the encoded protein sequence. Four of five in-silico tools predict a benign effect of the variant on protein function. The variant allele was found at a frequency of 8.1e-05 in 172594 control chromosomes. The observed variant frequency is approximately 12.98 fold of the estimated maximal expected allele frequency for a pathogenic variant in SCN10A causing Arrhythmia phenotype (6.3e-06). To our knowledge, no occurrence of c.1754C>T in individuals affected with Arrhythmia and no experimental evidence demonstrating its impact on protein function have been reported. ClinVar contains an entry for this variant (Variation ID: 449835). Based on the evidence outlined above, the variant was classified as likely benign.

CeGaT Center for Human Genetics Tuebingen
Classification: Uncertain significance. Last evaluated: 2024-03-01. Review status: criteria provided, single submitter. Criteria: CeGaT Center For Human Genetics Tuebingen Variant Classification Criteria Version 2. Collection method: clinical testing. Allele origin: germline. Affected: yes. Observed: 1 variant allele.

GeneDx
Classification: Uncertain significance. Last evaluated: 2023-09-19. Review status: criteria provided, single submitter. Criteria: GeneDx Variant Classification Process June 2021. Collection method: clinical testing. Allele origin: germline. Affected: yes.
Comment: In silico analysis supports that this missense variant does not alter protein structure/function; Has not been previously published as pathogenic or benign to our knowledge

Ambry Genetics
Classification: Likely benign for Cardiovascular phenotype. Last evaluated: 2022-01-24. Review status: criteria provided, single submitter. Criteria: Ambry Variant Classification Scheme 2023. Collection method: clinical testing. Allele origin: germline.

NM_006514.4(SCN10A):c.1754C>T (p.Ser585Leu)

Gene: SCN10A (sodium voltage-gated channel alpha subunit 10; minus strand). Cytogenetic location: 3p22.2.
Variant type: single nucleotide variant.
Coding change: c.1754C>T on transcript NM_006514.4 (MANE Select); coding-DNA position 1754, C replaced by T.
Protein change: p.Ser585Leu; replaces serine 585 with leucine.
Molecular consequence: missense variant. On other transcripts: intron variant (1).
Genome position (GRCh38, 1-based): chr3:38,752,220, G>A on the plus strand (C>T on the coding strand, the complement: SCN10A is on the minus strand). VCF-style: chr3-38752220-G-A. GRCh37 (hg19) VCF-style: chr3-38793711-G-A.
Other names: c.1754C>T, p.Ser585Leu (NM_001293306.2); c.1462-2036C>T (NM_001293307.2); short protein forms S585L.
Identifiers: ClinVar variation 449835 (VCV000449835.33), dbSNP rs781705809, ClinGen allele CA2320772.